The following is an entry in ClinVar:

ClinVar aggregate classification (germline): Pathogenic (1 of 4 stars; one submission).

Conditions:
Hereditary breast ovarian cancer syndrome. Also called: BRCA1- and BRCA2-Associated Hereditary Breast and Ovarian Cancer; Hereditary breast and ovarian cancer syndrome; Hereditary breast and/or ovarian cancer syndrome; Hereditary breast and ovarian cancer; Hereditary breast and ovarian cancer syndrome (HBOC); Breast and ovarian cancer. Identifiers: Orphanet 145, MedGen C0677776, MeSH D061325, MONDO:0003582. Disease mechanism: loss of function.

Submission:

Labcorp Genetics (formerly Invitae), Labcorp
Classification: Pathogenic for Hereditary breast ovarian cancer syndrome. Last evaluated: 2025-09-26. Review status: criteria provided, single submitter. Criteria: Invitae Variant Classification Sherloc (09022015). Collection method: clinical testing. Allele origin: germline.
Comment: This sequence change creates a premature translational stop signal (p.Arg3269Lysfs*8) in the BRCA2 gene. While this is not anticipated to result in nonsense mediated decay, it is expected to disrupt the last 150 amino acid(s) of the BRCA2 protein. This variant is not present in population databases (gnomAD no frequency). This variant has not been reported in the literature in individuals affected with BRCA2-related conditions. ClinVar contains an entry for this variant (Variation ID: 2998939). RNA analysis performed to evaluate the impact of this premature translational stop signal on mRNA splicing indicates it does not significantly alter splicing (internal data). This variant disrupts a region of the BRCA2 protein in which other variant(s) (p.Tyr3308*) have been determined to be pathogenic (PMID: 17026620, 18593900, 18607349, 22711857). This suggests that this is a clinically significant region of the protein, and that variants that disrupt it are likely to be disease-causing. For these reasons, this variant has been classified as Pathogenic.

Literature cited by the submitters: PubMed 17026620; PubMed 18593900; PubMed 18607349; PubMed 22711857.

NM_000059.4(BRCA2):c.9805dup (p.Arg3269fs)

Gene: BRCA2 (BRCA2 DNA repair associated; plus strand). Cytogenetic location: 13q13.1.
Variant type: Duplication.
Coding change: c.9805dup on transcript NM_000059.4 (MANE Select); coding-DNA position 9805, one base duplicated (A; older notation c.9805dupA).
Protein change: p.Arg3269fs; shifts the reading frame from arginine 3269.
Molecular consequence: frameshift variant. On other transcripts: non-coding transcript variant (1).
Genome position (GRCh38, 1-based): chr13:32,398,318, A duplicated; the last of 2 consecutive A bases (chr13:32,398,317-32,398,318); duplicating either gives the same sequence. VCF-style (leftmost placement, unchanged base first): chr13-32398316-G-GA. GRCh37 (hg19) VCF-style: chr13-32972453-G-GA.
Other names: c.9709dup, p.Arg3237fs (NM_001406719.1); c.9754dup, p.Arg3252fs (NM_001406720.1); c.4873dup, p.Arg1625fs (NM_001406721.1); c.3388dup, p.Arg1130fs (NM_001406722.1); short protein forms R3269fs, R1130fs, R3252fs, R1625fs, R3237fs.
Identifiers: ClinVar variation 2998939 (VCV002998939.3), dbSNP rs2548564872, ClinGen allele CA2740097650.